The following is an entry in ClinVar:

ClinVar aggregate classification (germline): Uncertain significance (1 of 4 stars; one submission).

Conditions:
Epidermolysis bullosa simplex 3, localized or generalized intermediate, with BP230 deficiency (EBS3). Also called: Epidermolysis bullosa simplex, autosomal recessive 2; Epidermolysis bullosa simplex due to BP230 deficiency. Identifiers: Orphanet 412181, MedGen C3809470, MONDO:0014180, OMIM 615425.
Hereditary sensory and autonomic neuropathy type 6. Also called: Neuropathy, hereditary sensory and autonomic, type VI; HSAN VI. Identifiers: Orphanet 314381, MedGen C3539003, MONDO:0013839, OMIM 614653.

Submission:

Labcorp Genetics (formerly Invitae), Labcorp
Classification: Uncertain significance for Epidermolysis bullosa simplex 3, localized or generalized intermediate, with BP230 deficiency; Hereditary sensory and autonomic neuropathy type 6. Last evaluated: 2022-04-04. Review status: criteria provided, single submitter. Criteria: Invitae Variant Classification Sherloc (09022015). Collection method: clinical testing. Allele origin: germline.
Comment: This variant is not present in population databases (gnomAD no frequency). In summary, the available evidence is currently insufficient to determine the role of this variant in disease. Therefore, it has been classified as a Variant of Uncertain Significance. Experimental studies and prediction algorithms are not available or were not evaluated, and the functional significance of this variant is currently unknown. This variant has not been reported in the literature in individuals affected with DST-related conditions. This sequence change replaces leucine, which is neutral and non-polar, with serine, which is neutral and polar, at codon 1680 of the DST protein (p.Leu1680Ser). The DST gene has multiple clinically relevant transcripts. This variant occurs in alternate transcript NM_015548.4, and corresponds to NM_001723.5:c.*36584T>C in the primary transcript.

NM_001374736.1(DST):c.12908T>C (p.Leu4303Ser)

Gene: DST (dystonin; minus strand). Cytogenetic location: 6p12.1.
Variant type: single nucleotide variant.
Coding change: c.12908T>C on transcript NM_001374736.1 (MANE Select); coding-DNA position 12908, T replaced by C.
Protein change: p.Leu4303Ser; replaces leucine 4303 with serine.
Molecular consequence: missense variant.
Genome position (GRCh38, 1-based): chr6:56,578,933, A>G on the plus strand (T>C on the coding strand, the complement: DST is on the minus strand). VCF-style: chr6-56578933-A-G. GRCh37 (hg19) VCF-style: chr6-56443731-A-G.
Other names: c.6551T>C, p.Leu2184Ser (NM_001144769.5); c.6137T>C, p.Leu2046Ser (NM_001144770.2); c.12908T>C, p.Leu4303Ser (NM_001374722.1); c.12275T>C, p.Leu4092Ser (NM_001374729.1); c.6017T>C, p.Leu2006Ser (NM_001374730.1, NM_001386100.1, NM_183380.4); c.12935T>C, p.Leu4312Ser (NM_001374734.1); c.5039T>C, p.Leu1680Ser (NM_015548.5); short protein forms L1680S, L2046S, L4092S, L2184S, L2006S, L4303S, L4312S.
Identifiers: ClinVar variation 2121277 (VCV002121277.4), dbSNP rs2535864689, ClinGen allele CA364521395.